The following is an entry in ClinVar:

NM_002485.5(NBN):c.1111C>G (p.Gln371Glu)

Gene: NBN (nibrin; minus strand). Cytogenetic location: 8q21.3.
Variant type: single nucleotide variant.
Coding change: c.1111C>G on transcript NM_002485.5 (MANE Select); coding-DNA position 1111, C replaced by G.
Protein change: p.Gln371Glu; replaces glutamine 371 with glutamic acid.
Molecular consequence: missense variant.
Genome position (GRCh38, 1-based): chr8:89,958,738, G>C on the plus strand (C>G on the coding strand, the complement: NBN is on the minus strand). VCF-style: chr8-89958738-G-C. GRCh37 (hg19) VCF-style: chr8-90970966-G-C.
Other names: c.865C>G, p.Gln289Glu (NM_001024688.3, NM_001440379.1, NM_001440380.1); short protein forms Q289E, Q371E.
Identifiers: ClinVar variation 4660586 (VCV004660586.1).

ClinVar aggregate classification (germline): Uncertain significance (1 of 4 stars; one submission).

Conditions:
Hereditary cancer-predisposing syndrome. Also called: Neoplastic Syndromes, Hereditary; Tumor predisposition; Hereditary Cancer Syndrome; Hereditary neoplastic syndrome. Identifiers: Orphanet 140162, MedGen C0027672, MeSH D009386, MONDO:0015356.

Submission:

Ambry Genetics
Classification: Uncertain significance for Hereditary cancer-predisposing syndrome. Last evaluated: 2025-10-16. Review status: criteria provided, single submitter. Criteria: Ambry Variant Classification Scheme 2023. Collection method: clinical testing. Allele origin: germline.
Comment: The p.Q371E variant (also known as c.1111C>G), located in coding exon 9 of the NBN gene, results from a C to G substitution at nucleotide position 1111. The glutamine at codon 371 is replaced by glutamic acid, an amino acid with highly similar properties. This amino acid position is conserved. In addition, this alteration is predicted to be tolerated by in silico analysis. Based on the available evidence, the clinical significance of this variant remains unclear.